The following is an entry in ClinVar:

NM_005996.4(TBX3):c.-865_-852del

Genes: TBX3 (T-box transcription factor 3; minus strand), TBX3-AS1 (TBX3 antisense RNA 1; plus strand). Cytogenetic location: 12q24.21.
Variant type: Deletion.
Coding change: c.-865_-852del on transcript NM_005996.4 (MANE Select); 865 bases upstream of the start codon through 852 bases upstream of the start codon, 14 bases deleted (CTCTCTTTCCCTCT).
Molecular consequence: 5 prime UTR variant.
Genome position (GRCh38, 1-based): chr12:114,684,052-114,684,065, AGAGGGAAAGAGAG deleted on the plus strand (CTCTCTTTCCCTCT on the coding strand, the reverse complement: TBX3 is on the minus strand). VCF-style (leftmost placement, unchanged base first): chr12-114684051-CAGAGGGAAAGAGAG-C. GRCh37 (hg19) VCF-style: chr12-115121856-CAGAGGGAAAGAGAG-C.
Other names: c.-865_-852del (NM_016569.4).
Identifiers: ClinVar variation 3356184 (VCV003356184.1).
Genomic context (GRCh38, chr12:114,684,051, plus strand): 5'-TTCCTAAATCTGTGTCCAGGCGCGCAGGGCAGGGAGGATTTAGAGGGGGAAAAAATGGAA[CAGAGGGAAAGAGAG>C]GGAGGGGAGAGAGAGAGAGAGAGAGAGAGACGGAGTCGGAGAGGGAGGGAGCGAGAGAAA-3'

ClinVar aggregate classification (germline): Likely benign (0 of 4 stars; one submission).

Conditions:
TBX3-related disorder. Also called: TBX3-related condition.

Submission:

PreventionGenetics, part of Exact Sciences
Classification: Likely benign for TBX3-related condition. Last evaluated: 2024-03-19. Review status: no assertion criteria provided. Collection method: clinical testing. Allele origin: germline.
Comment: This variant is classified as likely benign based on ACMG/AMP sequence variant interpretation guidelines (Richards et al. 2015 PMID: 25741868, with internal and published modifications).